The following is an entry in ClinVar:

NM_152594.3(SPRED1):c.1184C>G (p.Thr395Ser)

Gene: SPRED1 (sprouty related EVH1 domain containing 1; plus strand). Cytogenetic location: 15q14.
Variant type: single nucleotide variant.
Coding change: c.1184C>G on transcript NM_152594.3 (MANE Select); coding-DNA position 1184, C replaced by G.
Protein change: p.Thr395Ser; replaces threonine 395 with serine.
Molecular consequence: missense variant.
Genome position (GRCh38, 1-based): chr15:38,351,513, C>G. VCF-style: chr15-38351513-C-G. GRCh37 (hg19) VCF-style: chr15-38643714-C-G.
Other names: short protein forms T395S.
Identifiers: ClinVar variation 4827630 (VCV004827630.1).

ClinVar aggregate classification (germline): Uncertain significance (1 of 4 stars; one submission).

Conditions:
Cardiovascular phenotype. Identifiers: MedGen CN230736.

gnomAD v4.1: 1 of 1,614,154 alleles (0.000062%); highest among the groups gnomAD compares: Non-Finnish European, 0.000085%; no homozygotes.

Submission:

Ambry Genetics
Classification: Uncertain significance for Cardiovascular phenotype. Last evaluated: 2026-02-23. Review status: criteria provided, single submitter. Criteria: Ambry Variant Classification Scheme 2023. Collection method: clinical testing. Allele origin: germline.
Comment: The p.T395S variant (also known as c.1184C>G), located in coding exon 7 of the SPRED1 gene, results from a C to G substitution at nucleotide position 1184. The threonine at codon 395 is replaced by serine, an amino acid with similar properties. This amino acid position is conserved. In addition, this alteration is predicted to be tolerated by in silico analysis. Based on the available evidence, the clinical significance of this variant remains unclear.